The following is an entry in ClinVar:

ClinVar aggregate classification (germline): Uncertain significance (1 of 4 stars; one submission).

Conditions:
ALMS1-related disorder. Also called: ALMS1-related condition.

gnomAD v4.1: 1 of 1,614,038 alleles (0.000062%); highest among the groups gnomAD compares: Non-Finnish European, 0.000085%; no homozygotes.

Submission:

PreventionGenetics, part of Exact Sciences
Classification: Uncertain significance for ALMS1-related condition. Last evaluated: 2023-10-04. Review status: criteria provided, single submitter. Criteria: ACMG Guidelines, 2015. Collection method: clinical testing. Allele origin: germline.
Comment: The ALMS1 c.3409A>G variant is predicted to result in the amino acid substitution p.Thr1137Ala. This variant was reported in the heterozygous state without a second ALMS1 variant in an individual with non-syndromic hearing loss; however, this individual also harbored additional variants in genes associated with hearing loss (Table S2, Khalil et al. 2020. PubMed ID: 31898538). This variant is reported in 0.013% of alleles in individuals of European (Non-Finnish) descent in gnomAD. At this time, the clinical significance of this variant is uncertain due to the absence of conclusive functional and genetic evidence.

NM_001378454.1(ALMS1):c.3406A>G (p.Thr1136Ala)

Gene: ALMS1 (ALMS1 centrosome and basal body associated protein; plus strand). Cytogenetic location: 2p13.1.
Variant type: single nucleotide variant.
Coding change: c.3406A>G on transcript NM_001378454.1 (MANE Select); coding-DNA position 3406, A replaced by G.
Protein change: p.Thr1136Ala; replaces threonine 1136 with alanine.
Molecular consequence: missense variant.
Genome position (GRCh38, 1-based): chr2:73,449,933, A>G. VCF-style: chr2-73449933-A-G. GRCh37 (hg19) VCF-style: chr2-73677060-A-G.
Other names: c.3409A>G, p.Thr1137Ala (NM_015120.4); short protein forms T1137A, T1136A.
Identifiers: ClinVar variation 337014 (VCV000337014.6), dbSNP rs886056302, ClinGen allele CA10614366.